The following is an entry in ClinVar:

NM_002180.3(IGHMBP2):c.2392G>A (p.Gly798Arg)

Gene: IGHMBP2 (immunoglobulin mu DNA binding protein 2; plus strand). Cytogenetic location: 11q13.3.
Variant type: single nucleotide variant.
Coding change: c.2392G>A on transcript NM_002180.3 (MANE Select); coding-DNA position 2392, G replaced by A.
Protein change: p.Gly798Arg; replaces glycine 798 with arginine.
Molecular consequence: missense variant.
Genome position (GRCh38, 1-based): chr11:68,936,872, G>A. VCF-style: chr11-68936872-G-A. GRCh37 (hg19) VCF-style: chr11-68704340-G-A.
Other names: short protein forms G798R.
Identifiers: ClinVar variation 2164225 (VCV002164225.1), dbSNP rs1270480815, ClinGen allele CA381653485.

ClinVar aggregate classification (germline): Uncertain significance (1 of 4 stars; one submission).

Conditions:
Charcot-Marie-Tooth disease axonal type 2S. Also called: CHARCOT-MARIE-TOOTH NEUROPATHY, TYPE 2S; CHARCOT-MARIE-TOOTH DISEASE, AXONAL, AUTOSOMAL RECESSIVE, TYPE 2S. Identifiers: Orphanet 443073, MedGen C4015349, MONDO:0014511, OMIM 616155.
Autosomal recessive distal spinal muscular atrophy 1. Also called: NEURONOPATHY, DISTAL HEREDITARY MOTOR, HARDING TYPE VI; NEUROPATHY, DISTAL HEREDITARY MOTOR, AUTOSOMAL RECESSIVE 1; NEURONOPATHY, SEVERE INFANTILE AXONAL, WITH RESPIRATORY FAILURE; SEVERE INFANTILE AXONAL NEUROPATHY WITH RESPIRATORY FAILURE; SPINAL MUSCULAR ATROPHY, DIAPHRAGMATIC; Spinal muscular atrophy with respiratory distress 1. Identifiers: Orphanet 98920, MedGen C1858517, MONDO:0011436, OMIM 604320.

Allele frequency attached by ClinVar (database versions not stated): TOPMed below 0.00001; gnomAD exomes 0.00001.
gnomAD v4.1: 9 of 1,611,736 alleles (0.00056%); highest among the groups gnomAD compares: South Asian, 0.0011%; no homozygotes.

Submission:

Labcorp Genetics (formerly Invitae), Labcorp
Classification: Uncertain significance for Autosomal recessive distal spinal muscular atrophy 1; Charcot-Marie-Tooth disease axonal type 2S. Last evaluated: 2022-04-11. Review status: criteria provided, single submitter. Criteria: Invitae Variant Classification Sherloc (09022015). Collection method: clinical testing. Allele origin: germline.
Comment: This sequence change replaces glycine, which is neutral and non-polar, with arginine, which is basic and polar, at codon 798 of the IGHMBP2 protein (p.Gly798Arg). This variant is present in population databases (no rsID available, gnomAD 0.003%). This variant has not been reported in the literature in individuals affected with IGHMBP2-related conditions. Advanced modeling of protein sequence and biophysical properties (such as structural, functional, and spatial information, amino acid conservation, physicochemical variation, residue mobility, and thermodynamic stability) performed at Invitae indicates that this missense variant is not expected to disrupt IGHMBP2 protein function. In summary, the available evidence is currently insufficient to determine the role of this variant in disease. Therefore, it has been classified as a Variant of Uncertain Significance.